The following is an entry in ClinVar:

NM_002948.5(RPL15):c.173-10T>C

Genes: NKIRAS1 (NFKB inhibitor interacting Ras like 1; minus strand), RPL15 (ribosomal protein L15; plus strand). Cytogenetic location: 3p24.2.
Variant type: single nucleotide variant.
Coding change: c.173-10T>C on transcript NM_002948.5 (MANE Select); 10 bases into the intron before coding-DNA position 173, T replaced by C.
Molecular consequence: intron variant.
Genome position (GRCh38, 1-based): chr3:23,918,430, T>C. VCF-style: chr3-23918430-T-C. GRCh37 (hg19) VCF-style: chr3-23959921-T-C.
Other names: c.-139-6980A>G (NM_001377380.1); c.173-10T>C (NM_001253384.2, NM_001253379.2, NM_001253380.2 and 2 more transcripts).
Identifiers: ClinVar variation 1591061 (VCV001591061.11), dbSNP rs369227929, ClinGen allele CA2286468.
Genomic context (GRCh38, chr3:23,918,430, plus strand): 5'-GACAAGCCATTGAGTCTTAAGCCTTACGGCTTCCTATAAAATCACTAATTTCGTGTGTGT[T>C]TGTGTGTAGGTTACGTTATATATAGGATTCGTGTTCGCCGTGGTGGCCGAAAACGCCCAG-3'

ClinVar aggregate classification (germline): Likely benign. Review status: criteria provided, multiple submitters, no conflicts (2 of 4 stars). 3 submissions from 3 submitters: Likely benign (2). 1 of the submissions does not count toward it. Last evaluated 2025-07-30.

Conditions:
RPL15-related disorder. Also called: RPL15-related condition.

Allele frequency attached by ClinVar (database versions not stated): gnomAD exomes 0.00005; gnomAD 0.00006 and 0.00007; TOPMed 0.00006; ESP Exome Variant Server 0.00008; ExAC 0.00006.
gnomAD v4.1: 111 of 1,610,886 alleles (0.0069%); highest among the groups gnomAD compares: Non-Finnish European, 0.0091%; no homozygotes.

Submissions (3):

Labcorp Genetics (formerly Invitae), Labcorp
Classification: Likely benign. Last evaluated: 2025-07-30. Review status: criteria provided, single submitter. Criteria: Invitae Variant Classification Sherloc (09022015). Collection method: clinical testing. Allele origin: germline.

Blueprint Genetics
Classification: Likely benign. Last evaluated: 2024-02-22. Review status: criteria provided, single submitter. Criteria: ACMG Guidelines, 2015. Collection method: clinical testing. Allele origin: germline.

PreventionGenetics, part of Exact Sciences
Classification: Likely benign for RPL15-related condition. Last evaluated: 2022-02-15. Review status: no assertion criteria provided. Collection method: clinical testing. Allele origin: germline. Not counted in ClinVar's aggregate classification.
Comment: This variant is classified as likely benign based on ACMG/AMP sequence variant interpretation guidelines (Richards et al. 2015 PMID: 25741868, with internal and published modifications).